The following is an entry in ClinVar:

NM_001378328.1(CELSR1):c.8239G>A (p.Gly2747Arg)

Gene: CELSR1 (cadherin EGF LAG seven-pass G-type receptor 1; minus strand). Cytogenetic location: 22q13.31.
Variant type: single nucleotide variant.
Coding change: c.8239G>A on transcript NM_001378328.1 (MANE Select); coding-DNA position 8239, G replaced by A.
Protein change: p.Gly2747Arg; replaces glycine 2747 with arginine.
Molecular consequence: missense variant.
Genome position (GRCh38, 1-based): chr22:46,366,447, C>T on the plus strand (G>A on the coding strand, the complement: CELSR1 is on the minus strand). VCF-style: chr22-46366447-C-T. GRCh37 (hg19) VCF-style: chr22-46762344-C-T.
Other names: c.8239G>A, p.Gly2747Arg (NM_014246.4); short protein forms G2747R.
Identifiers: ClinVar variation 451246 (VCV000451246.2), dbSNP rs771193237, ClinGen allele CA10292912.

ClinVar aggregate classification (germline): Uncertain significance (1 of 4 stars; one submission).

Allele frequency attached by ClinVar (database versions not stated): ExAC 0.00005; gnomAD exomes 0.00001; TOPMed below 0.00001.
gnomAD v4.1: 17 of 1,550,148 alleles (0.0011%); highest among the groups gnomAD compares: Admixed American, 0.018%; no homozygotes.

Submission:

GeneDx
Classification: Uncertain significance. Last evaluated: 2017-08-14. Review status: criteria provided, single submitter. Criteria: GeneDx Variant Classification (06012015). Collection method: clinical testing. Allele origin: germline. Affected: yes.
Comment: The G2747R variant in the CELSR1 gene has not been reported previously as a pathogenic variant, nor as a benign variant, to our knowledge. The G2747R variant is not observed at a significant frequency in large population cohorts (Lek et al., 2016; 1000 Genomes Consortium et al., 2015; Exome Variant Server). The G2747R variant is a non-conservative amino acid substitution, which is likely to impact secondary protein structure as these residues differ in polarity, charge, size and/or other properties. This substitution occurs at a position that is not conserved. In silico analysis is inconsistent in its predictions as to whether or not the variant is damaging to the protein structure/function. We interpret G2747R as a variant of uncertain significance.